The following is an entry in ClinVar:

NM_001267550.2(TTN):c.80294_80296del (p.Val26765del)

Genes: TTN (titin; minus strand), TTN-AS1 (TTN antisense RNA 1; plus strand). Cytogenetic location: 2q31.2.
Variant type: Deletion.
Coding change: c.80294_80296del on transcript NM_001267550.2 (MANE Select); coding-DNA positions 80294 to 80296, 3 bases deleted (TTG; older notation c.80294_80296delTTG).
Protein change: p.Val26765del; deletes valine 26765.
Molecular consequence: inframe deletion.
Genome position (GRCh38, 1-based): chr2:178,565,836-178,565,838, CAA deleted on the plus strand (TTG on the coding strand, the reverse complement: TTN is on the minus strand); deleting any 3 consecutive bases within chr2:178,565,836-178,565,839 gives the same sequence; the c. name uses the placement nearest the transcript's 3' end. VCF-style (leftmost placement, unchanged base first): chr2-178565835-CCAA-C. GRCh37 (hg19) VCF-style: chr2-179430562-CCAA-C.
Other names: c.72590_72592delTTG (NM_133378.4); c.75371_75373del, p.Val25124del (NM_001256850.1); c.53099_53101del, p.Val17700del (NM_003319.4); c.72590_72592del, p.Val24197del (NM_133378.4); c.53474_53476del, p.Val17825del (NM_133432.3); c.53675_53677del, p.Val17892del (NM_133437.4); short protein forms V17700del, V17825del, V17892del, V24197del, V25124del, V26765del.
Identifiers: ClinVar variation 4853658 (VCV004853658.1).

ClinVar aggregate classification (germline): Uncertain significance (1 of 4 stars; one submission).

Submission:

Women's Health and Genetics/Laboratory Corporation of America, LabCorp
Classification: Uncertain significance. Last evaluated: 2026-05-27. Review status: criteria provided, single submitter. Criteria: LabCorp Variant Classification Summary - May 2015. Collection method: clinical testing. Allele origin: germline.
Comment: Variant summary: TTN c.72590_72592delTTG (p.Val24197del) results in an in-frame deletion that is predicted to remove one amino acid from the encoded protein. The variant was absent in 248580 control chromosomes (gnomAD). The available data on variant occurrences in the general population are insufficient to allow any conclusion about variant significance. To our knowledge, no occurrence of c.72590_72592delTTG in individuals affected with TTN-related conditions and no experimental evidence demonstrating its impact on protein function have been reported. No submitters have cited clinical-significance assessments for this variant to ClinVar. Based on the evidence outlined above, the variant was classified as uncertain significance.